The following is an entry in ClinVar:

ClinVar aggregate classification (germline): Uncertain significance (1 of 4 stars; one submission).

Conditions:
Hereditary cancer-predisposing syndrome. Also called: Neoplastic Syndromes, Hereditary; Tumor predisposition; Hereditary Cancer Syndrome; Hereditary neoplastic syndrome. Identifiers: Orphanet 140162, MedGen C0027672, MeSH D009386, MONDO:0015356.

Submission:

Ambry Genetics
Classification: Uncertain significance for Hereditary cancer-predisposing syndrome. Last evaluated: 2025-09-28. Review status: criteria provided, single submitter. Criteria: Ambry Variant Classification Scheme 2023. Collection method: clinical testing. Allele origin: germline.
Comment: The p.Q590R variant (also known as c.1769A>G), located in coding exon 14 of the BAP1 gene, results from an A to G substitution at nucleotide position 1769. The glutamine at codon 590 is replaced by arginine, an amino acid with highly similar properties. This amino acid position is conserved. In addition, this alteration is predicted to be tolerated by in silico analysis. Based on the available evidence, the clinical significance of this variant remains unclear.

NM_004656.4(BAP1):c.1769A>G (p.Gln590Arg)

Gene: BAP1 (BRCA1 associated deubiquitinase 1; minus strand). Cytogenetic location: 3p21.1.
Variant type: single nucleotide variant.
Coding change: c.1769A>G on transcript NM_004656.4 (MANE Select); coding-DNA position 1769, A replaced by G.
Protein change: p.Gln590Arg; replaces glutamine 590 with arginine.
Molecular consequence: missense variant.
Genome position (GRCh38, 1-based): chr3:52,403,259, T>C on the plus strand (A>G on the coding strand, the complement: BAP1 is on the minus strand). VCF-style: chr3-52403259-T-C. GRCh37 (hg19) VCF-style: chr3-52437275-T-C.
Other names: c.1715A>G, p.Gln572Arg (NM_001410772.1); short protein forms Q572R, Q590R.
Identifiers: ClinVar variation 4620531 (VCV004620531.1).